The following is an entry in ClinVar:

NM_003265.3(TLR3):c.1517_1518delinsTC (p.Arg506Leu)

Gene: TLR3 (toll like receptor 3; plus strand). Cytogenetic location: 4q35.1.
Variant type: Indel.
Coding change: c.1517_1518delinsTC on transcript NM_003265.3 (MANE Select); coding-DNA positions 1517 to 1518, GT replaced by TC.
Protein change: p.Arg506Leu; replaces arginine 506 with leucine.
Molecular consequence: missense variant.
Genome position (GRCh38, 1-based): chr4:186,083,203-186,083,204, GT replaced by TC. VCF-style: chr4-186083203-GT-TC. GRCh37 (hg19) VCF-style: chr4-187004357-GT-TC.
Other names: short protein forms R506L.
Identifiers: ClinVar variation 3682379 (VCV003682379.2).

ClinVar aggregate classification (germline): Uncertain significance (1 of 4 stars; one submission).

Conditions:
Encephalopathy, acute, infection-induced (herpes-specific), susceptibility to, 1. Also called: Herpes simplex encephalitis, susceptibility to, 1. Identifiers: Orphanet 1930, MedGen C2750180, MONDO:0024563, OMIM 610551.

Submission:

Labcorp Genetics (formerly Invitae), Labcorp
Classification: Uncertain significance for Encephalopathy, acute, infection-induced (herpes-specific), susceptibility to, 1. Last evaluated: 2024-04-17. Review status: criteria provided, single submitter. Criteria: Invitae Variant Classification Sherloc (09022015). Collection method: clinical testing. Allele origin: germline.
Comment: This sequence change replaces arginine, which is basic and polar, with leucine, which is neutral and non-polar, at codon 506 of the TLR3 protein (p.Arg506Leu). Information on the frequency of this variant in the gnomAD database is not available, as this variant may be reported differently in the database. This variant has not been reported in the literature in individuals affected with TLR3-related conditions. An algorithm developed to predict the effect of missense changes on protein structure and function (PolyPhen-2) suggests that this variant is likely to be tolerated. In summary, the available evidence is currently insufficient to determine the role of this variant in disease. Therefore, it has been classified as a Variant of Uncertain Significance.